The following is an entry in ClinVar:

NM_052947.4(ALPK2):c.1597A>G (p.Lys533Glu)

Gene: ALPK2 (alpha kinase 2; minus strand). Cytogenetic location: 18q21.31.
Variant type: single nucleotide variant.
Coding change: c.1597A>G on transcript NM_052947.4 (MANE Select); coding-DNA position 1597, A replaced by G.
Protein change: p.Lys533Glu; replaces lysine 533 with glutamic acid.
Molecular consequence: missense variant.
Genome position (GRCh38, 1-based): chr18:58,579,179, T>C on the plus strand (A>G on the coding strand, the complement: ALPK2 is on the minus strand). VCF-style: chr18-58579179-T-C. GRCh37 (hg19) VCF-style: chr18-56246411-T-C.
Other names: short protein forms K533E.
Identifiers: ClinVar variation 1776023 (VCV001776023.2), dbSNP rs2518898789, ClinGen allele CA402561732.

ClinVar aggregate classification (germline): Uncertain significance (1 of 4 stars; one submission).

Allele frequency attached by ClinVar (database versions not stated): gnomAD exomes below 0.00001.
gnomAD v4.1: 1 of 1,614,124 alleles (0.000062%); no homozygotes.

Submission:

Ambry Genetics
Classification: Uncertain significance. Last evaluated: 2022-06-04. Review status: criteria provided, single submitter. Criteria: Ambry Variant Classification Scheme 2023. Collection method: clinical testing. Allele origin: germline.
Comment: The p.K533E variant (also known as c.1597A>G), located in coding exon 3 of the ALPK2 gene, results from an A to G substitution at nucleotide position 1597. The lysine at codon 533 is replaced by glutamic acid, an amino acid with similar properties. This amino acid position is conserved. In addition, this alteration is predicted to be tolerated by in silico analysis. Since supporting evidence is limited at this time, the clinical significance of this alteration remains unclear.